The following is an entry in ClinVar:

ClinVar aggregate classification (germline): Uncertain significance (1 of 4 stars; one submission).

Conditions:
Hereditary cancer-predisposing syndrome. Also called: Neoplastic Syndromes, Hereditary; Tumor predisposition; Hereditary Cancer Syndrome; Hereditary neoplastic syndrome. Identifiers: Orphanet 140162, MedGen C0027672, MeSH D009386, MONDO:0015356.

gnomAD v4.1: 2 of 1,509,568 alleles (0.00013%); highest among the groups gnomAD compares: Admixed American, 0.0021%; no homozygotes.

Submission:

Ambry Genetics
Classification: Uncertain significance for Hereditary cancer-predisposing syndrome. Last evaluated: 2026-01-16. Review status: criteria provided, single submitter. Criteria: Ambry Variant Classification Scheme 2023. Collection method: clinical testing. Allele origin: germline.
Comment: The p.A10V variant (also known as c.29C>T), located in coding exon 1 of the RB1 gene, results from a C to T substitution at nucleotide position 29. The alanine at codon 10 is replaced by valine, an amino acid with similar properties. This amino acid position is well conserved in available vertebrate species. In addition, the in silico prediction for this alteration is inconclusive. Based on the available evidence, the clinical significance of this variant remains unclear.

NM_000321.3(RB1):c.29C>T (p.Ala10Val)

Gene: RB1 (RB transcriptional corepressor 1; plus strand). Cytogenetic location: 13q14.2.
Variant type: single nucleotide variant.
Coding change: c.29C>T on transcript NM_000321.3 (MANE Select); coding-DNA position 29, C replaced by T.
Protein change: p.Ala10Val; replaces alanine 10 with valine.
Molecular consequence: missense variant.
Genome position (GRCh38, 1-based): chr13:48,303,941, C>T. VCF-style: chr13-48303941-C-T. GRCh37 (hg19) VCF-style: chr13-48878077-C-T.
Other names: c.29C>T, p.Ala10Val (NM_001407165.1, NM_001407166.1, NM_001407167.1); short protein forms A10V.
Identifiers: ClinVar variation 4842609 (VCV004842609.1).
Genomic context (GRCh38, chr13:48,303,941, plus strand): 5'-CAGCTCGCTGGCTCCCGCCGCGGAAAGGCGTCATGCCGCCCAAAACCCCCCGAAAAACGG[C>T]CGCCACCGCCGCCGCTGCCGCCGCGGAACCCCCGGCACCGCCGCCGCCGCCCCCTCCTGA-3'
Protein context (NP_000312.2, residues 1-20): MPPKTPRKT[Ala10Val]ATAAAAAAEP